The following is an entry in ClinVar:

ClinVar aggregate classification (germline): Uncertain significance. Review status: criteria provided, multiple submitters, no conflicts (2 of 4 stars). 2 submissions from 2 submitters: Uncertain significance (2). Last evaluated 2025-05-23.

Allele frequency attached by ClinVar (database versions not stated): gnomAD exomes below 0.00001 and 0.00001; TOPMed below 0.00001; ExAC 0.00001.
gnomAD v4.1: 7 of 1,614,010 alleles (0.00043%); highest among the groups gnomAD compares: Middle Eastern, 0.016%; no homozygotes.

Submissions (2):

Labcorp Genetics (formerly Invitae), Labcorp
Classification: Uncertain significance. Last evaluated: 2025-05-23. Review status: criteria provided, single submitter. Criteria: Invitae Variant Classification Sherloc (09022015). Collection method: clinical testing. Allele origin: germline.
Comment: This sequence change replaces glycine, which is neutral and non-polar, with glutamic acid, which is acidic and polar, at codon 414 of the HACE1 protein (p.Gly414Glu). This variant is present in population databases (rs781687827, gnomAD 0.006%). This variant has not been reported in the literature in individuals affected with HACE1-related conditions. ClinVar contains an entry for this variant (Variation ID: 1175748). Invitae Evidence Modeling of protein sequence and biophysical properties (such as structural, functional, and spatial information, amino acid conservation, physicochemical variation, residue mobility, and thermodynamic stability) indicates that this missense variant is not expected to disrupt HACE1 protein function with a negative predictive value of 80%. In summary, the available evidence is currently insufficient to determine the role of this variant in disease. Therefore, it has been classified as a Variant of Uncertain Significance.

CeGaT Center for Human Genetics Tuebingen
Classification: Uncertain significance. Last evaluated: 2022-02-01. Review status: criteria provided, single submitter. Criteria: CeGaT Center For Human Genetics Tuebingen Variant Classification Criteria Version 2. Collection method: clinical testing. Allele origin: germline. Affected: yes. Observed: 2 variant alleles.

NM_020771.4(HACE1):c.1241G>A (p.Gly414Glu)

Gene: HACE1 (HECT domain and ankyrin repeat containing E3 ubiquitin protein ligase 1; minus strand). Cytogenetic location: 6q16.3.
Variant type: single nucleotide variant.
Coding change: c.1241G>A on transcript NM_020771.4 (MANE Select); coding-DNA position 1241, G replaced by A.
Protein change: p.Gly414Glu; replaces glycine 414 with glutamic acid.
Molecular consequence: missense variant. On other transcripts: non-coding transcript variant (7).
Genome position (GRCh38, 1-based): chr6:104,785,153, C>T on the plus strand (G>A on the coding strand, the complement: HACE1 is on the minus strand). VCF-style: chr6-104785153-C-T. GRCh37 (hg19) VCF-style: chr6-105233028-C-T.
Other names: c.1109G>A, p.Gly370Glu (NM_001321080.2); c.1139G>A, p.Gly380Glu (NM_001321083.2); c.737G>A, p.Gly246Glu (NM_001321084.2, NM_001350557.2, NM_001350558.2); c.1007G>A, p.Gly336Glu (NM_001350554.2); c.950G>A, p.Gly317Glu (NM_001350555.2); c.755G>A, p.Gly252Glu (NM_001350556.2); c.659G>A, p.Gly220Glu (NM_001350559.2); c.458G>A, p.Gly153Glu (NM_001350560.2); short protein forms G153E, G220E, G246E, G252E, G317E, G336E, G370E, G380E.
Identifiers: ClinVar variation 1175748 (VCV001175748.36), dbSNP rs781687827, ClinGen allele CA3940295.
Genomic context (GRCh38, chr6:104,785,153, plus strand): 5'-CTCCCTGCAAGAGCATCTGGTTTAGATTCCCTTGTGCCAGTGGACAGATTTTCATAGCTC[C>T]CAGGTCCTGGAGGTTCAAATGGAGGAATGGAAGCAGCATCTTGATCTTGGCCTTTTTGTT-3'
Protein context (NP_065822.2, residues 404-424): SIPPFEPPGP[Gly414Glu]SYENLSTGTR